The following is an entry in ClinVar:

NM_002609.4(PDGFRB):c.3029C>T (p.Thr1010Ile)

Gene: PDGFRB (platelet derived growth factor receptor beta; minus strand). Cytogenetic location: 5q32.
Variant type: single nucleotide variant.
Coding change: c.3029C>T on transcript NM_002609.4 (MANE Select); coding-DNA position 3029, C replaced by T.
Protein change: p.Thr1010Ile; replaces threonine 1010 with isoleucine.
Molecular consequence: missense variant.
Genome position (GRCh38, 1-based): chr5:150,117,726, G>A on the plus strand (C>T on the coding strand, the complement: PDGFRB is on the minus strand). VCF-style: chr5-150117726-G-A. GRCh37 (hg19) VCF-style: chr5-149497289-G-A.
Other names: c.2837C>T, p.Thr946Ile (NM_001355016.2); c.2546C>T, p.Thr849Ile (NM_001355017.2); short protein forms T1010I, T849I, T946I.
Identifiers: ClinVar variation 1713491 (VCV001713491.6), dbSNP rs2113883881, ClinGen allele CA361755435.

ClinVar aggregate classification (germline): Uncertain significance (1 of 4 stars; one submission).

Conditions:
Basal ganglia calcification, idiopathic, 4 (PFBC4). Also called: Familial Idiopathic Basal Ganglia Calcification 4; PRIMARY FAMILIAL BRAIN CALCIFICATION 4, AUTOSOMAL DOMINANT. Identifiers: Orphanet 1980, MedGen C3554321, MONDO:0014004, OMIM 615007.
Acroosteolysis-keloid-like lesions-premature aging syndrome. Also called: Premature aging syndrome, Penttinen type; Prematurely aged appearance, delayed bone maturation, acro-osteolysis, and brachydactyly; Progeroid syndrome, Penttinen type. Identifiers: Orphanet 363665, MedGen C1866182, MONDO:0011150, OMIM 601812.
Skeletal overgrowth-craniofacial dysmorphism-hyperelastic skin-white matter lesions syndrome. Also called: SKELETAL OVERGROWTH WITH FACIAL DYSMORPHISM, HYPERELASTIC SKIN, WHITE MATTER LESIONS, AND NEUROLOGIC DETERIORATION; Kosaki overgrowth syndrome. Identifiers: Orphanet 477831, MedGen C4225270, MONDO:0014704, OMIM 616592.
Infantile myofibromatosis (IMF). Also called: Congenital generalized fibromatosis. Identifiers: Orphanet 2591, MedGen C0432284, MONDO:0016824.

Submission:

Labcorp Genetics (formerly Invitae), Labcorp
Classification: Uncertain significance for Basal ganglia calcification, idiopathic, 4; Skeletal overgrowth-craniofacial dysmorphism-hyperelastic skin-white matter lesions syndrome; Infantile myofibromatosis; Acroosteolysis-keloid-like lesions-premature aging syndrome. Last evaluated: 2022-08-25. Review status: criteria provided, single submitter. Criteria: Invitae Variant Classification Sherloc (09022015). Collection method: clinical testing. Allele origin: germline.
Comment: Advanced modeling of protein sequence and biophysical properties (such as structural, functional, and spatial information, amino acid conservation, physicochemical variation, residue mobility, and thermodynamic stability) performed at Invitae indicates that this missense variant is not expected to disrupt PDGFRB protein function. In summary, the available evidence is currently insufficient to determine the role of this variant in disease. Therefore, it has been classified as a Variant of Uncertain Significance. This variant has not been reported in the literature in individuals affected with PDGFRB-related conditions. This variant is not present in population databases (gnomAD no frequency). This sequence change replaces threonine, which is neutral and polar, with isoleucine, which is neutral and non-polar, at codon 1010 of the PDGFRB protein (p.Thr1010Ile).